The following is an entry in ClinVar:

NM_001276270.2(MBD4):c.568A>C (p.Met190Leu)

Gene: MBD4 (methyl-CpG binding domain 4, DNA glycosylase; minus strand). Cytogenetic location: 3q21.3.
Variant type: single nucleotide variant.
Coding change: c.568A>C on transcript NM_001276270.2 (MANE Select); coding-DNA position 568, A replaced by C.
Protein change: p.Met190Leu; replaces methionine 190 with leucine.
Molecular consequence: missense variant. On other transcripts: intron variant (1).
Genome position (GRCh38, 1-based): chr3:129,437,076, T>G on the plus strand (A>C on the coding strand, the complement: MBD4 is on the minus strand). VCF-style: chr3-129437076-T-G. GRCh37 (hg19) VCF-style: chr3-129155919-T-G.
Other names: c.568A>C, p.Met190Leu (NM_001276271.2, NM_001276272.2, NM_003925.3); c.247+732A>C (NM_001276273.2); short protein forms M190L.
Identifiers: ClinVar variation 4052258 (VCV004052258.1).
Genomic context (GRCh38, chr3:129,437,076, plus strand): 5'-TGGAAGTAAAGTTAGAGAGTCCTCTGCTCTCCTGCAACTCTGAACTACTACTTGGCGGCA[T>G]AAACACATCCTTTTTGCACTTGCTTCGGGTCCTGAGGTTCCAGTTTGAATTGTTACTTTG-3'
Protein context (NP_001263199.1, residues 180-200): TRSKCKKDVF[Met190Leu]PPSSSSELQE

ClinVar aggregate classification (germline): Uncertain significance (1 of 4 stars; one submission).

Conditions:
Inborn genetic diseases. Identifiers: MedGen C0950123, MeSH D030342.

Submission:

Ambry Genetics
Classification: Uncertain significance for Inborn genetic diseases. Last evaluated: 2025-06-14. Review status: criteria provided, single submitter. Criteria: Ambry Variant Classification Scheme 2023. Collection method: clinical testing. Allele origin: germline.
Comment: The p.M190L variant (also known as c.568A>C), located in coding exon 3 of the MBD4 gene, results from an A to C substitution at nucleotide position 568. The methionine at codon 190 is replaced by leucine, an amino acid with highly similar properties. This amino acid position is conserved. In addition, this alteration is predicted to be tolerated by in silico analysis. Based on the available evidence, the clinical significance of this variant remains unclear.